The following is an entry in ClinVar:

ClinVar aggregate classification (germline): Uncertain significance (1 of 4 stars; one submission).

gnomAD v4.1: 5 of 1,613,874 alleles (0.00031%); highest among the groups gnomAD compares: Non-Finnish European, 0.00042%; no homozygotes.

Submission:

Labcorp Genetics (formerly Invitae), Labcorp
Classification: Uncertain significance. Last evaluated: 2024-10-18. Review status: criteria provided, single submitter. Criteria: Invitae Variant Classification Sherloc (09022015). Collection method: clinical testing. Allele origin: germline.
Comment: This sequence change replaces glycine, which is neutral and non-polar, with arginine, which is basic and polar, at codon 718 of the DCHS1 protein (p.Gly718Arg). This variant is present in population databases (no rsID available, gnomAD 0.0009%). This variant has not been reported in the literature in individuals affected with DCHS1-related conditions. Invitae Evidence Modeling of protein sequence and biophysical properties (such as structural, functional, and spatial information, amino acid conservation, physicochemical variation, residue mobility, and thermodynamic stability) indicates that this missense variant is expected to disrupt DCHS1 protein function with a positive predictive value of 80%. In summary, the available evidence is currently insufficient to determine the role of this variant in disease. Therefore, it has been classified as a Variant of Uncertain Significance.

NM_003737.4(DCHS1):c.2152G>A (p.Gly718Arg)

Gene: DCHS1 (dachsous cadherin-related 1; minus strand). Cytogenetic location: 11p15.4.
Variant type: single nucleotide variant.
Coding change: c.2152G>A on transcript NM_003737.4 (MANE Select); coding-DNA position 2152, G replaced by A.
Protein change: p.Gly718Arg; replaces glycine 718 with arginine.
Molecular consequence: missense variant.
Genome position (GRCh38, 1-based): chr11:6,633,855, C>T on the plus strand (G>A on the coding strand, the complement: DCHS1 is on the minus strand). VCF-style: chr11-6633855-C-T. GRCh37 (hg19) VCF-style: chr11-6655086-C-T.
Other names: short protein forms G718R.
Identifiers: ClinVar variation 3628143 (VCV003628143.2).